The following is an entry in ClinVar:

ClinVar aggregate classification (germline): Pathogenic (1 of 4 stars; one submission).

Submission:

GeneDx
Classification: Pathogenic. Last evaluated: 2018-04-23. Review status: criteria provided, single submitter. Criteria: GeneDx Variant Classification (06012015). Collection method: clinical testing. Allele origin: germline. Affected: yes.
Comment: This duplication of one nucleotide in APC is denoted c.1431dupA at the cDNA level and p.Leu478IlefsX7 (L478IfsX7) at the protein level. The normal sequence, with the base that is duplicated in brackets, is CAGA[dupA]TTAT. The duplication causes a frameshift which changes a Leucine to an Isoleucine at codon 478, and creates a premature stop codon at position 7 of the new reading frame. Although this variant has not, to our knowledge, been reported in the literature, it is predicted to cause loss of normal protein function through either protein truncation or nonsense-mediated mRNA decay. Based on currently available evidence, we consider this duplication to be a pathogenic variant.

NM_000038.6(APC):c.1431dup (p.Leu478fs)

Gene: APC (APC regulator of WNT signaling pathway; plus strand). Cytogenetic location: 5q22.2.
Variant type: Duplication.
Coding change: c.1431dup on transcript NM_000038.6 (MANE Select); coding-DNA position 1431, one base duplicated (A; older notation c.1431dupA).
Protein change: p.Leu478fs; shifts the reading frame from leucine 478.
Molecular consequence: frameshift variant.
Genome position (GRCh38, 1-based): chr5:112,827,130, A duplicated; the last of 2 consecutive A bases (chr5:112,827,129-112,827,130); duplicating either gives the same sequence. VCF-style (leftmost placement, unchanged base first): chr5-112827128-G-GA. GRCh37 (hg19) VCF-style: chr5-112162825-G-GA.
Other names: c.1431dup, p.Leu478fs (NM_001127510.3, NM_001354895.2); c.1377dup, p.Leu460fs (NM_001127511.3); c.1485dup, p.Leu496fs (NM_001354896.2); c.1461dup, p.Leu488fs (NM_001354897.2); c.1356dup, p.Leu453fs (NM_001354898.2); c.1347dup, p.Leu450fs (NM_001354899.2); c.1308dup, p.Leu437fs (NM_001354900.2); c.1254dup, p.Leu419fs (NM_001354901.2); and 6 more; short protein forms L450fs, L496fs, L195fs, L387fs, L460fs, L488fs, L318fs, L419fs.
Identifiers: ClinVar variation 545904 (VCV000545904.2), dbSNP rs1554081640, ClinGen allele CA658822391.